The following is an entry in ClinVar:

ClinVar aggregate classification (germline): Uncertain significance. Review status: criteria provided, multiple submitters, no conflicts (2 of 4 stars). 2 submissions from 2 submitters: Uncertain significance (2). Last evaluated 2023-06-21.

Allele frequency attached by ClinVar (database versions not stated): gnomAD exomes 0.00005; TOPMed 0.00006; gnomAD 0.00009; ExAC 0.00010.
gnomAD v4.1: 92 of 1,573,642 alleles (0.0058%); highest among the groups gnomAD compares: East Asian, 0.012%; no homozygotes.

Submissions (2):

Ambry Genetics
Classification: Uncertain significance. Last evaluated: 2023-06-21. Review status: criteria provided, single submitter. Criteria: Ambry Variant Classification Scheme 2023. Collection method: clinical testing. Allele origin: germline.

CeGaT Center for Human Genetics Tuebingen
Classification: Uncertain significance. Last evaluated: 2022-11-01. Review status: criteria provided, single submitter. Criteria: CeGaT Center For Human Genetics Tuebingen Variant Classification Criteria Version 2. Collection method: clinical testing. Allele origin: germline. Affected: yes. Observed: 1 variant allele.
Comment: DNAH10: PM2, BP4

NM_001372106.1(DNAH10):c.8380A>G (p.Thr2794Ala)

Gene: DNAH10 (dynein axonemal heavy chain 10; plus strand). Cytogenetic location: 12q24.31.
Variant type: single nucleotide variant.
Coding change: c.8380A>G on transcript NM_001372106.1 (MANE Select); coding-DNA position 8380, A replaced by G.
Protein change: p.Thr2794Ala; replaces threonine 2794 with alanine.
Molecular consequence: missense variant.
Genome position (GRCh38, 1-based): chr12:123,879,271, A>G. VCF-style: chr12-123879271-A-G. GRCh37 (hg19) VCF-style: chr12-124363818-A-G.
Other names: c.8026A>G, p.Thr2676Ala (NM_001083900.1, NM_207437.3); short protein forms T2676A, T2794A.
Identifiers: ClinVar variation 2592800 (VCV002592800.26), dbSNP rs577138824, ClinGen allele CA6864772.